The following is an entry in ClinVar:

ClinVar aggregate classification (germline): Uncertain significance (1 of 4 stars; one submission).

Conditions:
Sulfite oxidase deficiency due to molybdenum cofactor deficiency type C. Also called: Molybdenum cofactor deficiency, complementation group C; Molybdenum cofactor deficiency C. Identifiers: Orphanet 308400, Orphanet 833, MedGen C1854990, MONDO:0014212, OMIM 615501.

Submission:

Labcorp Genetics (formerly Invitae), Labcorp
Classification: Uncertain significance for Sulfite oxidase deficiency due to molybdenum cofactor deficiency type C. Last evaluated: 2025-10-07. Review status: criteria provided, single submitter. Criteria: Invitae Variant Classification Sherloc (09022015). Collection method: clinical testing. Allele origin: germline.
Comment: This sequence change falls in intron 17 of the GPHN gene. It does not directly change the encoded amino acid sequence of the GPHN protein. It affects a nucleotide within the consensus splice site. This variant is not present in population databases (gnomAD no frequency). This variant has been observed in individual(s) with clinical features of autosomal dominant GPHN-related conditions (internal data). ClinVar contains an entry for this variant (Variation ID: 3708139). Variants that disrupt the consensus splice site are a relatively common cause of aberrant splicing (PMID: 17576681, 9536098). Algorithms developed to predict the effect of sequence changes on RNA splicing suggest that this variant may create or strengthen a splice site. In summary, the available evidence is currently insufficient to determine the role of this variant in disease. Therefore, it has been classified as a Variant of Uncertain Significance.

Literature cited by the submitters: PubMed 17576681; PubMed 9536098.

NM_020806.5(GPHN):c.1748+3A>T

Gene: GPHN (gephyrin; plus strand). Cytogenetic location: 14q23.3.
Variant type: single nucleotide variant.
Coding change: c.1748+3A>T on transcript NM_020806.5 (MANE Select); 3 bases into the intron after coding-DNA position 1748, A replaced by T.
Molecular consequence: intron variant.
Genome position (GRCh38, 1-based): chr14:67,122,380, A>T. VCF-style: chr14-67122380-A-T. GRCh37 (hg19) VCF-style: chr14-67589097-A-T.
Other names: c.1808+3A>T (NM_001377514.1); c.1688+3A>T (NM_001377519.1); c.1778+3A>T (NM_001377515.1); c.1769+3A>T (NM_001377516.1); c.1706+3A>T (NM_001377518.1); c.1721+3A>T (NM_001377517.1); c.1649+3A>T (NM_001024218.2).
Identifiers: ClinVar variation 3708139 (VCV003708139.2).